The following is an entry in ClinVar:

ClinVar aggregate classification (germline): Uncertain significance (1 of 4 stars; one submission).

Conditions:
Inborn genetic diseases. Identifiers: MedGen C0950123, MeSH D030342.

Submission:

Ambry Genetics
Classification: Uncertain significance for Inborn genetic diseases. Last evaluated: 2026-03-06. Review status: criteria provided, single submitter. Criteria: Ambry Variant Classification Scheme 2023. Collection method: clinical testing. Allele origin: germline.
Comment: The p.P625S variant (also known as c.1873C>T), located in coding exon 8 of the MECOM gene, results from a C to T substitution at nucleotide position 1873. The proline at codon 625 is replaced by serine, an amino acid with similar properties. This amino acid position is conserved. In addition, this alteration is predicted to be tolerated by in silico analysis. Based on the available evidence, the clinical significance of this variant remains unclear.

NM_004991.4(MECOM):c.1873C>T (p.Pro625Ser)

Gene: MECOM (MDS1 and EVI1 complex locus; minus strand). Cytogenetic location: 3q26.2.
Variant type: single nucleotide variant.
Coding change: c.1873C>T on transcript NM_004991.4 (MANE Select); coding-DNA position 1873, C replaced by T.
Protein change: p.Pro625Ser; replaces proline 625 with serine.
Molecular consequence: missense variant. On other transcripts: intron variant (2).
Genome position (GRCh38, 1-based): chr3:169,115,999, G>A on the plus strand (C>T on the coding strand, the complement: MECOM is on the minus strand). VCF-style: chr3-169115999-G-A. GRCh37 (hg19) VCF-style: chr3-168833787-G-A.
Other names: c.1309C>T, p.Pro437Ser (NM_005241.4, NM_001105078.4, NM_001164000.2 and 4 more transcripts); c.1133-232C>T (NM_001366473.2); c.569-232C>T (NM_001366474.2); c.1504C>T, p.Pro502Ser (NM_001105077.4); c.1312C>T, p.Pro438Ser (NM_001163999.2, NM_001366467.2, NM_001366468.2 and 1 more transcripts); c.1873C>T, p.Pro625Ser (NM_001366466.2); short protein forms P437S, P438S, P502S, P625S.
Identifiers: ClinVar variation 3293933 (VCV003293933.2).
Genomic context (GRCh38, chr3:169,115,999, plus strand): 5'-AGAAAATGGAATGATTGCTGTATTCTTTCTTATTATTTATTGAAGCCAGATTCTGAAGAG[G>A]GCTTACTTTGTCTTTGAACATTTTACCATTTTCTTTAAATTTCTCTTTATCACTTTCAAT-3'
Protein context (NP_004982.2, residues 615-635): NGKMFKDKVS[Pro625Ser]LQNLASINNK